The following is an entry in ClinVar:

NM_006567.5(FARS2):c.932C>T (p.Ala311Val)

Gene: FARS2 (phenylalanyl-tRNA synthetase 2, mitochondrial; plus strand). Cytogenetic location: 6p25.1.
Variant type: single nucleotide variant.
Coding change: c.932C>T on transcript NM_006567.5 (MANE Select); coding-DNA position 932, C replaced by T.
Protein change: p.Ala311Val; replaces alanine 311 with valine.
Molecular consequence: missense variant.
Genome position (GRCh38, 1-based): chr6:5,545,207, C>T. VCF-style: chr6-5545207-C-T. GRCh37 (hg19) VCF-style: chr6-5545440-C-T.
Other names: c.932C>T, p.Ala311Val (NM_001318872.2, NM_001374875.1, NM_001374876.1 and 4 more transcripts); c.800C>T, p.Ala267Val (NM_001375258.1); c.236C>T, p.Ala79Val (NM_001375259.1, NM_001375260.1); short protein forms A267V, A311V, A79V.
Identifiers: ClinVar variation 3621644 (VCV003621644.2).

ClinVar aggregate classification (germline): Uncertain significance (1 of 4 stars; one submission).

Conditions:
Combined oxidative phosphorylation defect type 14. Also called: Combined oxidative phosphorylation deficiency 14. Identifiers: Orphanet 319519, MedGen C4755312, MONDO:0013986, OMIM 614946.

Submission:

Labcorp Genetics (formerly Invitae), Labcorp
Classification: Uncertain significance for Combined oxidative phosphorylation defect type 14. Last evaluated: 2024-07-15. Review status: criteria provided, single submitter. Criteria: Invitae Variant Classification Sherloc (09022015). Collection method: clinical testing. Allele origin: germline.
Comment: This sequence change replaces alanine, which is neutral and non-polar, with valine, which is neutral and non-polar, at codon 311 of the FARS2 protein (p.Ala311Val). This variant is not present in population databases (gnomAD no frequency). This variant has not been reported in the literature in individuals affected with FARS2-related conditions. Advanced modeling of protein sequence and biophysical properties (such as structural, functional, and spatial information, amino acid conservation, physicochemical variation, residue mobility, and thermodynamic stability) performed at Invitae indicates that this missense variant is expected to disrupt FARS2 protein function with a positive predictive value of 95%. In summary, the available evidence is currently insufficient to determine the role of this variant in disease. Therefore, it has been classified as a Variant of Uncertain Significance.